The following is an entry in ClinVar:

NM_152703.5(SAMD9L):c.3059T>C (p.Leu1020Ser)

Gene: SAMD9L (sterile alpha motif domain containing 9 like; minus strand). Cytogenetic location: 7q21.2.
Variant type: single nucleotide variant.
Coding change: c.3059T>C on transcript NM_152703.5 (MANE Select); coding-DNA position 3059, T replaced by C.
Protein change: p.Leu1020Ser; replaces leucine 1020 with serine.
Molecular consequence: missense variant.
Genome position (GRCh38, 1-based): chr7:93,132,913, A>G on the plus strand (T>C on the coding strand, the complement: SAMD9L is on the minus strand). VCF-style: chr7-93132913-A-G. GRCh37 (hg19) VCF-style: chr7-92762226-A-G.
Other names: c.3059T>C, p.Leu1020Ser (NM_001303496.3, NM_001303497.3, NM_001303498.3 and 5 more transcripts); short protein forms L1020S.
Identifiers: ClinVar variation 4844830 (VCV004844830.1).

ClinVar aggregate classification (germline): Uncertain significance (1 of 4 stars; one submission).

Conditions:
Inborn genetic diseases. Identifiers: MedGen C0950123, MeSH D030342.

Submission:

Ambry Genetics
Classification: Uncertain significance for Inborn genetic diseases. Last evaluated: 2026-02-16. Review status: criteria provided, single submitter. Criteria: Ambry Variant Classification Scheme 2023. Collection method: clinical testing. Allele origin: germline.
Comment: The p.L1020S variant (also known as c.3059T>C), located in coding exon 1 of the SAMD9L gene, results from a T to C substitution at nucleotide position 3059. The leucine at codon 1020 is replaced by serine, an amino acid with dissimilar properties. This amino acid position is conserved. In addition, this alteration is predicted to be tolerated by in silico analysis. Based on the available evidence, the clinical significance of this variant remains unclear.